The following is an entry in ClinVar:

ClinVar aggregate classification (germline): Pathogenic (1 of 4 stars; one submission).

Conditions:
Jeune thoracic dystrophy. Also called: Jeune syndrome; Infantile thoracic dystrophy; Thoracic pelvic phalangeal dystrophy; Jeune's syndrome; Chondroectodermal dysplasia-like syndrome; Short-rib thoracic dysplasia. Identifiers: Orphanet 474, MedGen C0265275, MONDO:0018770.

Submission:

Labcorp Genetics (formerly Invitae), Labcorp
Classification: Pathogenic for Jeune thoracic dystrophy. Last evaluated: 2023-10-24. Review status: criteria provided, single submitter. Criteria: Invitae Variant Classification Sherloc (09022015). Collection method: clinical testing. Allele origin: germline.
Comment: This sequence change creates a premature translational stop signal (p.Leu3302Valfs*2) in the DYNC2H1 gene. It is expected to result in an absent or disrupted protein product. Loss-of-function variants in DYNC2H1 are known to be pathogenic (PMID: 23339108, 32753734, 33755199). This variant is not present in population databases (gnomAD no frequency). This variant has not been reported in the literature in individuals affected with DYNC2H1-related conditions. For these reasons, this variant has been classified as Pathogenic.

Literature cited by the submitters: PubMed 23339108; PubMed 32753734; PubMed 33755199.

NM_001377.3(DYNC2H1):c.9882_9894del (p.Leu3295fs)

Gene: DYNC2H1 (dynein cytoplasmic 2 heavy chain 1; plus strand). Cytogenetic location: 11q22.3.
Variant type: Deletion.
Coding change: c.9882_9894del on transcript NM_001377.3 (MANE Select); coding-DNA positions 9882 to 9894, 13 bases deleted (TTTGAAAGACTCA).
Protein change: p.Leu3295fs; shifts the reading frame from leucine 3295.
Molecular consequence: frameshift variant.
Genome position (GRCh38, 1-based): chr11:103,243,755-103,243,767, TTTGAAAGACTCA deleted; deleting any 13 consecutive bases within chr11:103,243,753-103,243,767 gives the same sequence; the c. name uses the placement nearest the transcript's 3' end. VCF-style (leftmost placement, unchanged base first): chr11-103243752-ACATTTGAAAGACT-A. GRCh37 (hg19) VCF-style: chr11-103114481-ACATTTGAAAGACT-A.
Other names: c.9903_9915del, p.Leu3302fs (NM_001080463.2); short protein forms L3302fs, L3295fs.
Identifiers: ClinVar variation 2771528 (VCV002771528.3), dbSNP rs2496576481, ClinGen allele CA2697548894.
Genomic context (GRCh38, chr11:103,243,752, plus strand): 5'-GAGTCGAGTGTGCCCATTTCTTATAGATCCTTCTTCCCAAGCTACAGAGTGGTTAAAAAC[ACATTTGAAAGACT>A]CACGTTTAGAAGTTATCAATCAGCAGGTATGTATTATTTATAATTTACATACCAATTAGG-3'